The following is an entry in ClinVar:

NM_015450.3(POT1):c.934G>C (p.Asp312His)

Gene: POT1 (protection of telomeres 1; minus strand). Cytogenetic location: 7q31.33.
Variant type: single nucleotide variant.
Coding change: c.934G>C on transcript NM_015450.3 (MANE Select); coding-DNA position 934, G replaced by C.
Protein change: p.Asp312His; replaces aspartic acid 312 with histidine.
Molecular consequence: missense variant. On other transcripts: non-coding transcript variant (3).
Genome position (GRCh38, 1-based): chr7:124,851,887, C>G on the plus strand (G>C on the coding strand, the complement: POT1 is on the minus strand). VCF-style: chr7-124851887-C-G. GRCh37 (hg19) VCF-style: chr7-124491941-C-G.
Other names: c.541G>C, p.Asp181His (NM_001042594.2); short protein forms D181H, D312H.
Identifiers: ClinVar variation 1493158 (VCV001493158.6), dbSNP rs2116500833, ClinGen allele CA369054305.

ClinVar aggregate classification (germline): Uncertain significance (1 of 4 stars; one submission).

Conditions:
Tumor predisposition syndrome 3 (TPDS3). Also called: Melanoma, cutaneous malignant, susceptibility to, 10; LONG TELOMERE SYNDROME, POT1-RELATED; POT1 Tumor Predisposition; Glioma susceptibility 9. Identifiers: Orphanet 618, MedGen C4014476, MONDO:0014368, OMIM 615848.

Submission:

Labcorp Genetics (formerly Invitae), Labcorp
Classification: Uncertain significance for Tumor predisposition syndrome 3. Last evaluated: 2025-11-24. Review status: criteria provided, single submitter. Criteria: Invitae Variant Classification Sherloc (09022015). Collection method: clinical testing. Allele origin: germline.
Comment: This sequence change replaces aspartic acid, which is acidic and polar, with histidine, which is basic and polar, at codon 312 of the POT1 protein (p.Asp312His). This variant is not present in population databases (gnomAD no frequency). This variant has not been reported in the literature in individuals affected with POT1-related conditions. ClinVar contains an entry for this variant (Variation ID: 1493158). Invitae Evidence Modeling of protein sequence and biophysical properties (such as structural, functional, and spatial information, amino acid conservation, physicochemical variation, residue mobility, and thermodynamic stability) indicates that this missense variant is not expected to disrupt POT1 protein function with a negative predictive value of 80%. In summary, the available evidence is currently insufficient to determine the role of this variant in disease. Therefore, it has been classified as a Variant of Uncertain Significance.